The following is an entry in ClinVar:

ClinVar aggregate classification (germline): Uncertain significance. Review status: criteria provided, multiple submitters, no conflicts (2 of 4 stars). 2 submissions from 2 submitters: Uncertain significance (2). Last evaluated 2025-03-04.

Conditions:
Inborn genetic diseases. Identifiers: MedGen C0950123, MeSH D030342.

Allele frequency attached by ClinVar (database versions not stated): gnomAD 0.00002; gnomAD exomes 0.00002 and 0.00004; TOPMed 0.00004.

Submissions (2):

Ambry Genetics
Classification: Uncertain significance for Inborn genetic diseases. Last evaluated: 2025-03-04. Review status: criteria provided, single submitter. Criteria: Ambry Variant Classification Scheme 2023. Collection method: clinical testing. Allele origin: germline.

Labcorp Genetics (formerly Invitae), Labcorp
Classification: Uncertain significance. Last evaluated: 2022-06-14. Review status: criteria provided, single submitter. Criteria: Invitae Variant Classification Sherloc (09022015). Collection method: clinical testing. Allele origin: germline.
Comment: This sequence change replaces leucine, which is neutral and non-polar, with valine, which is neutral and non-polar, at codon 289 of the LTBP4 protein (p.Leu289Val). This variant is present in population databases (no rsID available, gnomAD 0.007%). This variant has not been reported in the literature in individuals affected with LTBP4-related conditions. Experimental studies and prediction algorithms are not available or were not evaluated, and the functional significance of this variant is currently unknown. Algorithms developed to predict the effect of sequence changes on RNA splicing suggest that this variant may create or strengthen a splice site. In summary, the available evidence is currently insufficient to determine the role of this variant in disease. Therefore, it has been classified as a Variant of Uncertain Significance.

NM_001042545.2(LTBP4):c.775C>G (p.Leu259Val)

Genes: LTBP4 (latent transforming growth factor beta binding protein 4; plus strand), LOC130064475 (ATAC-STARR-seq lymphoblastoid silent region 10639; plus strand). Cytogenetic location: 19q13.2.
Variant type: single nucleotide variant.
Coding change: c.775C>G on transcript NM_001042545.2 (MANE Select); coding-DNA position 775, C replaced by G.
Protein change: p.Leu259Val; replaces leucine 259 with valine.
Molecular consequence: missense variant.
Genome position (GRCh38, 1-based): chr19:40,605,813, C>G. VCF-style: chr19-40605813-C-G. GRCh37 (hg19) VCF-style: chr19-41111719-C-G.
Other names: c.976C>G, p.Leu326Val (NM_001042544.1); c.865C>G, p.Leu289Val (NM_003573.2); short protein forms L259V, L289V, L326V.
Identifiers: ClinVar variation 1366971 (VCV001366971.4), dbSNP rs1339915520, ClinGen allele CA405934086.